The following is an entry in ClinVar:

ClinVar aggregate classification (germline): Uncertain significance (1 of 4 stars; one submission).

Allele frequency attached by ClinVar (database versions not stated): TOPMed below 0.00001; gnomAD 0.00001; gnomAD exomes 0.00001; ExAC 0.00002; 1000 Genomes Project 30x 0.00016.
gnomAD v4.1: 14 of 1,614,148 alleles (0.00087%); highest among the groups gnomAD compares: South Asian, 0.0077%; no homozygotes.

Submission:

Labcorp Genetics (formerly Invitae), Labcorp
Classification: Uncertain significance. Last evaluated: 2023-06-15. Review status: criteria provided, single submitter. Criteria: Invitae Variant Classification Sherloc (09022015). Collection method: clinical testing. Allele origin: germline.
Comment: In summary, the available evidence is currently insufficient to determine the role of this variant in disease. Therefore, it has been classified as a Variant of Uncertain Significance. An algorithm developed to predict the effect of missense changes on protein structure and function (PolyPhen-2) suggests that this variant is likely to be tolerated. This variant has not been reported in the literature in individuals affected with MAPKAPK3-related conditions. This variant is present in population databases (rs763883941, gnomAD 0.01%). This sequence change replaces arginine, which is basic and polar, with histidine, which is basic and polar, at codon 133 of the MAPKAPK3 protein (p.Arg133His).

NM_001243925.2(MAPKAPK3):c.398G>A (p.Arg133His)

Gene: MAPKAPK3 (MAPK activated protein kinase 3; plus strand). Cytogenetic location: 3p21.2.
Variant type: single nucleotide variant.
Coding change: c.398G>A on transcript NM_001243925.2 (MANE Select); coding-DNA position 398, G replaced by A.
Protein change: p.Arg133His; replaces arginine 133 with histidine.
Molecular consequence: missense variant.
Genome position (GRCh38, 1-based): chr3:50,641,745, G>A. VCF-style: chr3-50641745-G-A. GRCh37 (hg19) VCF-style: chr3-50679176-G-A.
Other names: c.398G>A, p.Arg133His (NM_001243926.2, NM_004635.5); short protein forms R133H.
Identifiers: ClinVar variation 2803597 (VCV002803597.3), dbSNP rs763883941, ClinGen allele CA2420236.